The following is an entry in ClinVar:

ClinVar aggregate classification (germline): Pathogenic (1 of 4 stars; one submission).

Conditions:
Familial thoracic aortic aneurysm and aortic dissection (TAAD). Also called: Thoracic aortic aneurysms and dissections. Identifiers: Orphanet 91387, MedGen C4707243, MONDO:0019625.

Submission:

Ambry Genetics
Classification: Pathogenic for Familial thoracic aortic aneurysm and aortic dissection. Last evaluated: 2022-08-09. Review status: criteria provided, single submitter. Criteria: Ambry Variant Classification Scheme 2023. Collection method: clinical testing. Allele origin: germline.
Comment: The p.E810* variant (also known as c.2428G>T), located in coding exon 20 of the FBN1 gene, results from a G to T substitution at nucleotide position 2428. This changes the amino acid from a glutamic acid to a stop codon within coding exon 20. This variant has been detected in an individual with ectopia lentis, mitral valve prolapse, dural ectasia, and skeletal findings (Arbustini E et al. Hum Mutat, 2005 Nov;26:494). This variant is considered to be rare based on population cohorts in the Genome Aggregation Database (gnomAD). In addition to the clinical data presented in the literature, this alteration is expected to result in loss of function by premature protein truncation or nonsense-mediated mRNA decay. As such, this alteration is interpreted as a disease-causing mutation.

Literature cited by the submitters: PubMed 16222657.

NM_000138.5(FBN1):c.2428G>T (p.Glu810Ter)

Gene: FBN1 (fibrillin 1; minus strand). Cytogenetic location: 15q21.1.
Variant type: single nucleotide variant.
Coding change: c.2428G>T on transcript NM_000138.5 (MANE Select); coding-DNA position 2428, G replaced by T.
Protein change: p.Glu810Ter; replaces glutamic acid 810 with a stop codon.
Molecular consequence: nonsense.
Genome position (GRCh38, 1-based): chr15:48,495,580, C>A on the plus strand (G>T on the coding strand, the complement: FBN1 is on the minus strand). VCF-style: chr15-48495580-C-A. GRCh37 (hg19) VCF-style: chr15-48787777-C-A.
Other names: c.2428G>T, p.Glu810Ter (NM_001406716.1); short protein forms E810*.
Identifiers: ClinVar variation 1791118 (VCV001791118.2), dbSNP rs2505572137, ClinGen allele CA392334855.